The following is an entry in ClinVar:

ClinVar aggregate classification (germline): Uncertain significance (1 of 4 stars; one submission).

Submission:

GeneDx
Classification: Uncertain significance. Last evaluated: 2022-07-27. Review status: criteria provided, single submitter. Criteria: GeneDx Variant Classification Process June 2021. Collection method: clinical testing. Allele origin: germline. Affected: yes.
Comment: Not observed at significant frequency in large population cohorts (gnomAD); In silico analysis supports that this missense variant has a deleterious effect on protein structure/function; Has not been previously published as pathogenic or benign to our knowledge; Not located in the triple helical region, where the majority of pathogenic missense variants occur (HGMD)

NM_000088.4(COL1A1):c.4118G>C (p.Ser1373Thr)

Gene: COL1A1 (collagen type I alpha 1 chain; minus strand). Cytogenetic location: 17q21.33.
Variant type: single nucleotide variant.
Coding change: c.4118G>C on transcript NM_000088.4 (MANE Select); coding-DNA position 4118, G replaced by C.
Protein change: p.Ser1373Thr; replaces serine 1373 with threonine.
Molecular consequence: missense variant.
Genome position (GRCh38, 1-based): chr17:50,185,908, C>G on the plus strand (G>C on the coding strand, the complement: COL1A1 is on the minus strand). VCF-style: chr17-50185908-C-G. GRCh37 (hg19) VCF-style: chr17-48263269-C-G.
Other names: short protein forms S1373T.
Identifiers: ClinVar variation 2412969 (VCV002412969.3), dbSNP rs2509156536, ClinGen allele CA400192106.